The following is an entry in ClinVar:

NM_005591.4(MRE11):c.1491C>T (p.Ile497=)

Gene: MRE11 (MRE11 double strand break repair nuclease; minus strand). Cytogenetic location: 11q21.
Variant type: single nucleotide variant.
Coding change: c.1491C>T on transcript NM_005591.4 (MANE Select); coding-DNA position 1491, C replaced by T.
Protein change: p.Ile497=; no amino-acid change (isoleucine 497 retained).
Molecular consequence: synonymous variant.
Genome position (GRCh38, 1-based): chr11:94,459,417, G>A on the plus strand (C>T on the coding strand, the complement: MRE11 is on the minus strand). VCF-style: chr11-94459417-G-A. GRCh37 (hg19) VCF-style: chr11-94192583-G-A.
Other names: c.1491C>T, p.Ile497= (NM_001330347.2, NM_005590.4).
Identifiers: ClinVar variation 184438 (VCV000184438.26), dbSNP rs199634245, ClinGen allele CA333835.

ClinVar aggregate classification (germline): Conflicting classifications of pathogenicity. Review status: criteria provided, conflicting classifications (1 of 4 stars). 8 submissions from 8 submitters: Uncertain significance (1); Benign (3); Likely benign (3). 1 of the submissions does not count toward it. Last evaluated 2026-06-01.

Conditions:
Ataxia-telangiectasia-like disorder (ATLD). Identifiers: MedGen C1858391, MONDO:0011457.
Hereditary cancer-predisposing syndrome. Also called: Tumor predisposition; Neoplastic Syndromes, Hereditary; Hereditary Cancer Syndrome; Hereditary neoplastic syndrome. Identifiers: Orphanet 140162, MedGen C0027672, MeSH D009386, MONDO:0015356.
Ataxia-telangiectasia-like disorder 1 (ATLD1). Identifiers: Orphanet 251347, MedGen C4012790, MONDO:0024557, OMIM 604391.

Allele frequency attached by ClinVar (database versions not stated): gnomAD exomes 0.00064 and 0.00030; ExAC 0.00065; 1000 Genomes Project 30x 0.00109; 1000 Genomes Project 0.00140; TOPMed 0.00003; gnomAD 0.00021 and 0.00030.
gnomAD v4.1: 485 of 1,613,868 alleles (0.03%); highest among the groups gnomAD compares: South Asian, 0.28%; 2 homozygotes.

Submissions (8):

CeGaT Center for Human Genetics Tuebingen
Classification: Likely benign. Last evaluated: 2026-06-01. Review status: criteria provided, single submitter. Criteria: CeGaT Center For Human Genetics Tuebingen Variant Classification Criteria Version 2. Collection method: clinical testing. Allele origin: germline. Affected: yes. Observed: 1 variant allele.
Comment: MRE11: BP4, BP7

Labcorp Genetics (formerly Invitae), Labcorp
Classification: Benign for Ataxia-telangiectasia-like disorder. Last evaluated: 2026-01-06. Review status: criteria provided, single submitter. Criteria: Invitae Variant Classification Sherloc (09022015). Collection method: clinical testing. Allele origin: germline.

Women's Health and Genetics/Laboratory Corporation of America, LabCorp
Classification: Benign. Last evaluated: 2025-07-15. Review status: criteria provided, single submitter. Criteria: LabCorp Variant Classification Summary - May 2015. Collection method: clinical testing. Allele origin: germline.
Comment: Variant summary: MRE11A c.1491C>T alters a conserved nucleotide resulting in a synonymous change. Consensus agreement among computation tools predict no significant impact on normal splicing. However, these predictions have yet to be confirmed by functional studies. The variant allele was found at a frequency of 0.0003 in 1613868 control chromosomes, predominantly at a frequency of 0.0028 within the South Asian subpopulation in the gnomAD database, including 2 homozygotes. The observed variant frequency within South Asian control individuals in the gnomAD database is approximately 2.13 fold of the estimated maximal expected allele frequency for a pathogenic variant in MRE11A causing Ataxia Telangiectasia-Like Disorder phenotype (0.0013). c.1491C>T has been observed in at least one individual affected with breast cancer, without strong evidence of causality (example: Jalkh_2017). This report does not provide unequivocal conclusions about association of the variant with Ataxia Telangiectasia-Like Disorder. To our knowledge, no experimental evidence demonstrating an impact on protein function has been reported. The following publication has been ascertained in the context of this evaluation (PMID: 28202063). ClinVar contains an entry for this variant (Variation ID: 184438). Based on the evidence outlined above, the variant was classified as benign.

Ambry Genetics
Classification: Likely benign for Hereditary cancer-predisposing syndrome. Last evaluated: 2024-12-06. Review status: criteria provided, single submitter. Criteria: Ambry Variant Classification Scheme 2023. Collection method: clinical testing. Allele origin: germline.

Blueprint Genetics
Classification: Likely benign. Last evaluated: 2024-11-22. Review status: criteria provided, single submitter. Criteria: ACMG Guidelines, 2015. Collection method: clinical testing. Allele origin: germline.

KCCC/NGS Laboratory, Kuwait Cancer Control Center
Classification: Benign for Ataxia-telangiectasia-like disorder 1. Last evaluated: 2023-07-07. Review status: criteria provided, single submitter. Criteria: ACMG Guidelines, 2015. Collection method: clinical testing. Allele origin: germline. Affected: yes.

Illumina Laboratory Services, Illumina
Classification: Uncertain significance for Ataxia-telangiectasia-like disorder 1. Last evaluated: 2018-01-13. Review status: criteria provided, single submitter. Criteria: ICSL Variant Classification Criteria 13 December 2019. Collection method: clinical testing. Allele origin: germline.

Counsyl
Classification: Likely benign for Ataxia-telangiectasia-like disorder 1. Last evaluated: 2018-03-26. Review status: no assertion criteria provided. Collection method: clinical testing. Allele origin: unknown. Not counted in ClinVar's aggregate classification.

Literature cited by the submitters: PubMed 28202063 (cited by Women's Health and Genetics/Laboratory Corporation of America, LabCorp and Counsyl).